The following is an entry in ClinVar:

NM_004415.4(DSP):c.5554C>A (p.Arg1852Ser)

Gene: DSP (desmoplakin; plus strand). Cytogenetic location: 6p24.3.
Variant type: single nucleotide variant.
Coding change: c.5554C>A on transcript NM_004415.4 (MANE Select); coding-DNA position 5554, C replaced by A.
Protein change: p.Arg1852Ser; replaces arginine 1852 with serine.
Molecular consequence: missense variant.
Genome position (GRCh38, 1-based): chr6:7,582,816, C>A. VCF-style: chr6-7582816-C-A. GRCh37 (hg19) VCF-style: chr6-7583049-C-A.
Other names: c.3757C>A, p.Arg1253Ser (NM_001008844.3); c.4225C>A, p.Arg1409Ser (NM_001319034.2); short protein forms R1253S, R1409S, R1852S.
Identifiers: ClinVar variation 3386691 (VCV003386691.1).

ClinVar aggregate classification (germline): Uncertain significance (1 of 4 stars; one submission).

Conditions:
Arrhythmogenic cardiomyopathy with wooly hair and keratoderma. Also called: Carvajal syndrome; PALMOPLANTAR KERATODERMA WITH LEFT VENTRICULAR CARDIOMYOPATHY AND WOOLLY HAIR; Dilated cardiomyopathy with woolly hair and keratoderma; Arrhythmogenic cardiomyopathy with woolly hair and keratoderma. Identifiers: Orphanet 65282, MedGen C1854063, MONDO:0011581, OMIM 605676.

Submission:

All of Us Research Program, National Institutes of Health
Classification: Uncertain significance for Arrhythmogenic cardiomyopathy with wooly hair and keratoderma. Last evaluated: 2024-08-06. Review status: criteria provided, single submitter. Criteria: ACMG Guidelines, 2015. Collection method: clinical testing. Allele origin: germline. Inheritance: Autosomal dominant inheritance. Observed: 1 variant allele, 1 heterozygote.
Comment: This study involves interpretation of variants in research participants for the purpose of population health screening. Participant phenotype was not available at the time of variant classification. Additional details can be found in publication PMID: 35346344, PMCID: PMC8962531